The following is an entry in ClinVar:

NM_001367624.2(ZNF469):c.5942G>C (p.Gly1981Ala)

Gene: ZNF469 (zinc finger protein 469; plus strand). Cytogenetic location: 16q24.2.
Variant type: single nucleotide variant.
Coding change: c.5942G>C on transcript NM_001367624.2 (MANE Select); coding-DNA position 5942, G replaced by C.
Protein change: p.Gly1981Ala; replaces glycine 1981 with alanine.
Molecular consequence: missense variant.
Genome position (GRCh38, 1-based): chr16:88,433,412, G>C. VCF-style: chr16-88433412-G-C. GRCh37 (hg19) VCF-style: chr16-88499820-G-C.
Other names: NM_001127464.1:c.5858G>C; short protein forms G1981A.
Identifiers: ClinVar variation 2462705 (VCV002462705.2), dbSNP rs548906722, ClinGen allele CA286381056.

ClinVar aggregate classification (germline): Uncertain significance (1 of 4 stars; one submission).

Conditions:
Cardiovascular phenotype. Identifiers: MedGen CN230736.

Allele frequency attached by ClinVar (database versions not stated): gnomAD exomes 0.00001; gnomAD 0.00003; TOPMed 0.00004; 1000 Genomes Project 30x 0.00016; 1000 Genomes Project 0.00020.
gnomAD v4.1: 7 of 1,550,362 alleles (0.00045%); highest among the groups gnomAD compares: African/African-American, 0.0068%; no homozygotes.

Submission:

Ambry Genetics
Classification: Uncertain significance for Cardiovascular phenotype. Last evaluated: 2023-05-27. Review status: criteria provided, single submitter. Criteria: Ambry Variant Classification Scheme 2023. Collection method: clinical testing. Allele origin: germline.
Comment: The p.G1953A variant (also known as c.5858G>C), located in coding exon 2 of the ZNF469 gene, results from a G to C substitution at nucleotide position 5858. The glycine at codon 1953 is replaced by alanine, an amino acid with similar properties. This amino acid position is conserved. In addition, this alteration is predicted to be tolerated by in silico analysis. Since supporting evidence is limited at this time, the clinical significance of this alteration remains unclear.